The following is an entry in ClinVar:

ClinVar aggregate classification (germline): Uncertain significance (1 of 4 stars; one submission).

Conditions:
Weill-Marchesani 4 syndrome, recessive. Also called: Weill-Marchesani syndrome 4. Identifiers: Orphanet 363992, MedGen C2750787, MONDO:0013176, OMIM 613195.

Submission:

3billion
Classification: Uncertain significance for Weill-Marchesani 4 syndrome, recessive. Last evaluated: 2022-05-22. Review status: criteria provided, single submitter. Criteria: ACMG Guidelines, 2015. Collection method: clinical testing. Allele origin: germline. Affected: yes. Observed: 1 homozygote.
Comment: The variant is not observed in the gnomAD v2.1.1 dataset. In silico tool predictions suggest damaging effect of the variant on gene or gene product (REVEL: 0.93; 3Cnet: 0.88). Therefore, this variant is classified as uncertain significanceaccording to the recommendation of ACMG/AMP guideline.

NM_139057.4(ADAMTS17):c.1996T>G (p.Cys666Gly)

Gene: ADAMTS17 (ADAM metallopeptidase with thrombospondin type 1 motif 17; minus strand). Cytogenetic location: 15q26.3.
Variant type: single nucleotide variant.
Coding change: c.1996T>G on transcript NM_139057.4 (MANE Select); coding-DNA position 1996, T replaced by G.
Protein change: p.Cys666Gly; replaces cysteine 666 with glycine.
Molecular consequence: missense variant.
Genome position (GRCh38, 1-based): chr15:100,109,009, A>C on the plus strand (T>G on the coding strand, the complement: ADAMTS17 is on the minus strand). VCF-style: chr15-100109009-A-C. GRCh37 (hg19) VCF-style: chr15-100649214-A-C.
Other names: short protein forms C666G.
Identifiers: ClinVar variation 1687423 (VCV001687423.1), dbSNP rs2141096474, ClinGen allele CA393694748.